The following is an entry in ClinVar:

ClinVar aggregate classification (germline): Likely benign. Review status: criteria provided, multiple submitters, no conflicts (2 of 4 stars). 7 submissions from 7 submitters: Likely benign (4). 3 of the submissions do not count toward it. Last evaluated 2026-01-12.

Conditions:
COQ2-related disorder. Also called: COQ2-related condition.

Allele frequency attached by ClinVar (database versions not stated): gnomAD exomes 0.00017; ExAC 0.00021; 1000 Genomes Project 0.00120; 1000 Genomes Project 30x 0.00125; gnomAD 0.00193; TOPMed 0.00216.
gnomAD v4.1: 475 of 1,514,666 alleles (0.031%); highest among the groups gnomAD compares: African/African-American, 0.62%; 2 homozygotes.

Submissions (7):

Labcorp Genetics (formerly Invitae), Labcorp
Classification: Likely benign. Last evaluated: 2026-01-12. Review status: criteria provided, single submitter. Criteria: Invitae Variant Classification Sherloc (09022015). Collection method: clinical testing. Allele origin: germline.

Blueprint Genetics
Classification: Likely benign. Last evaluated: 2024-09-11. Review status: criteria provided, single submitter. Criteria: ACMG Guidelines, 2015. Collection method: clinical testing. Allele origin: germline.

Mayo Clinic Laboratories, Mayo Clinic
Classification: Likely benign. Last evaluated: 2024-07-26. Review status: criteria provided, single submitter. Criteria: ACMG Guidelines, 2015. Collection method: clinical testing. Allele origin: germline. Observed: 5 variant alleles.
Comment: BS1, BP4

GeneDx
Classification: Likely benign. Last evaluated: 2020-01-21. Review status: criteria provided, single submitter. Criteria: GeneDx Variant Classification Process June 2021. Collection method: clinical testing. Allele origin: germline. Affected: yes.

PreventionGenetics, part of Exact Sciences
Classification: Benign for COQ2-related condition. Last evaluated: 2021-10-21. Review status: no assertion criteria provided. Collection method: clinical testing. Allele origin: germline. Not counted in ClinVar's aggregate classification.
Comment: This variant is classified as benign based on ACMG/AMP sequence variant interpretation guidelines (Richards et al. 2015 PMID: 25741868, with internal and published modifications).

Clinical Genetics DNA and cytogenetics Diagnostics Lab, Erasmus MC, Erasmus Medical Center
Classification: Likely benign. Review status: no assertion criteria provided. Collection method: clinical testing. Allele origin: germline. Affected: yes. Study: VKGL Data-share Consensus. Not counted in ClinVar's aggregate classification.

Genome Diagnostics Laboratory, University Medical Center Utrecht
Classification: Benign. Review status: no assertion criteria provided. Collection method: clinical testing. Allele origin: germline. Affected: yes. Study: VKGL Data-share Consensus. Not counted in ClinVar's aggregate classification.

NM_001358921.2(COQ2):c.137C>T (p.Pro46Leu)

Genes: COQ2 (coenzyme Q2, polyprenyltransferase; minus strand), LOC112997540 (Sharpr-MPRA regulatory region 13773; plus strand). Cytogenetic location: 4q21.23.
Variant type: single nucleotide variant.
Coding change: c.137C>T on transcript NM_001358921.2 (MANE Select); coding-DNA position 137, C replaced by T.
Protein change: p.Pro46Leu; replaces proline 46 with leucine.
Molecular consequence: missense variant.
Genome position (GRCh38, 1-based): chr4:83,284,628, G>A on the plus strand (C>T on the coding strand, the complement: COQ2 is on the minus strand). VCF-style: chr4-83284628-G-A. GRCh37 (hg19) VCF-style: chr4-84205781-G-A.
Other names: p.P96L:CCC>CTC; p.Pro96Leu; c.287C>T, p.Pro96Leu (NM_015697.9); c.287C>T (NM_015697.8); short protein forms P96L, P46L.
Identifiers: ClinVar variation 214223 (VCV000214223.16), dbSNP rs566165293, ClinGen allele CA323769.